The following is an entry in ClinVar:

NM_001048174.2(MUTYH):c.1240G>A (p.Val414Ile)

Gene: MUTYH (mutY DNA glycosylase; minus strand). Cytogenetic location: 1p34.1.
Variant type: single nucleotide variant.
Coding change: c.1240G>A on transcript NM_001048174.2 (MANE Select); coding-DNA position 1240, G replaced by A.
Protein change: p.Val414Ile; replaces valine 414 with isoleucine.
Molecular consequence: missense variant. On other transcripts: non-coding transcript variant (7).
Genome position (GRCh38, 1-based): chr1:45,331,334, C>T on the plus strand (G>A on the coding strand, the complement: MUTYH is on the minus strand). VCF-style: chr1-45331334-C-T. GRCh37 (hg19) VCF-style: chr1-45797006-C-T.
Other names: c.1240G>A, p.Val414Ile (NM_001048171.2, NM_001048173.2, NM_001293195.2 and 6 more transcripts); c.1243G>A, p.Val415Ile (NM_001048172.2, NM_001407086.1, NM_001407071.1 and 1 more transcripts); c.1324G>A, p.Val442Ile (NM_001128425.2); c.1285G>A, p.Val429Ile (NM_001293190.2); c.1273G>A, p.Val425Ile (NM_001293191.2, NM_001407069.1, NM_001407077.1); c.964G>A, p.Val322Ile (NM_001293192.2, NM_001293196.2, NM_001407091.1); c.1201G>A, p.Val401Ile (NM_001407079.1); c.1198G>A, p.Val400Ile (NM_001407080.1); and 5 more; short protein forms V439I, V299I, V414I, V421I, V429I, V415I, V425I, V442I.
Identifiers: ClinVar variation 4113176 (VCV004113176.1).

ClinVar aggregate classification (germline): Uncertain significance (1 of 4 stars; one submission).

Conditions:
Hereditary cancer-predisposing syndrome. Also called: Tumor predisposition; Neoplastic Syndromes, Hereditary; Hereditary neoplastic syndrome; Hereditary Cancer Syndrome. Identifiers: Orphanet 140162, MedGen C0027672, MeSH D009386, MONDO:0015356.

Submission:

Ambry Genetics
Classification: Uncertain significance for Hereditary cancer-predisposing syndrome. Last evaluated: 2025-08-27. Review status: criteria provided, single submitter. Criteria: Ambry Variant Classification Scheme 2023. Collection method: clinical testing. Allele origin: germline.
Comment: The p.V442I variant (also known as c.1324G>A) is located in coding exon 14 of the MUTYH gene. The valine at codon 442 is replaced by isoleucine, an amino acid with highly similar properties. This change occurs in the first base pair of coding exon 14. This amino acid position is conserved. In addition, the in silico prediction for this alteration is inconclusive. Based on the available evidence, the clinical significance of this variant remains unclear.